The following is an entry in ClinVar:

ClinVar aggregate classification (germline): Pathogenic (1 of 4 stars; one submission).

Conditions:
Dilated cardiomyopathy 1HH (CMD1HH). Identifiers: Orphanet 154, MedGen C3151293, MONDO:0013479, OMIM 613881.
Myofibrillar myopathy 6. Identifiers: Orphanet 199340, MedGen C2751831, MONDO:0013061, OMIM 612954.

Submission:

Labcorp Genetics (formerly Invitae), Labcorp
Classification: Pathogenic for Dilated cardiomyopathy 1HH; Myofibrillar myopathy 6. Last evaluated: 2020-11-25. Review status: criteria provided, single submitter. Criteria: Invitae Variant Classification Sherloc (09022015). Collection method: clinical testing. Allele origin: germline.
Comment: This sequence change creates a premature translational stop signal (p.Gln200*) in the BAG3 gene. It is expected to result in an absent or disrupted protein product. Loss-of-function variants in BAG3 are known to be pathogenic (PMID: 21353195, 25008357). This variant is not present in population databases (ExAC no frequency). This variant has not been reported in the literature in individuals with BAG3-related conditions. For these reasons, this variant has been classified as Pathogenic.

Literature cited by the submitters: PubMed 21353195; PubMed 25008357.

NM_004281.4(BAG3):c.598C>T (p.Gln200Ter)

Gene: BAG3 (BAG cochaperone 3; plus strand). Cytogenetic location: 10q26.11.
Variant type: single nucleotide variant.
Coding change: c.598C>T on transcript NM_004281.4 (MANE Select); coding-DNA position 598, C replaced by T.
Protein change: p.Gln200Ter; replaces glutamine 200 with a stop codon.
Molecular consequence: nonsense.
Genome position (GRCh38, 1-based): chr10:119,672,345, C>T. VCF-style: chr10-119672345-C-T. GRCh37 (hg19) VCF-style: chr10-121431857-C-T.
Other names: short protein forms Q200*.
Identifiers: ClinVar variation 1362749 (VCV001362749.6), dbSNP rs2134065052, ClinGen allele CA378295411.